The following is an entry in ClinVar:

NM_001191016.3(CASP12):c.639G>A (p.Lys213=)

Gene: CASP12 (caspase 12 (gene/pseudogene); minus strand). Cytogenetic location: 11q22.3.
Variant type: single nucleotide variant.
Coding change: c.639G>A on transcript NM_001191016.3 (MANE Select); coding-DNA position 639, G replaced by A.
Protein change: p.Lys213=; no amino-acid change (lysine 213 retained).
Molecular consequence: synonymous variant. On other transcripts: non-coding transcript variant (4).
Genome position (GRCh38, 1-based): chr11:104,891,198, C>T on the plus strand (G>A on the coding strand, the complement: CASP12 is on the minus strand). VCF-style: chr11-104891198-C-T. GRCh37 (hg19) VCF-style: chr11-104761925-C-T.
Identifiers: ClinVar variation 3052992 (VCV003052992.2), dbSNP rs749654200, ClinGen allele CA6256359.

ClinVar aggregate classification (germline): Likely benign (0 of 4 stars; one submission).

Conditions:
CASP12-related disorder. Also called: CASP12-related condition.

Allele frequency attached by ClinVar (database versions not stated): gnomAD 0.00013; gnomAD exomes 0.00016; TOPMed 0.00027; ExAC 0.00031.

Submission:

PreventionGenetics, part of Exact Sciences
Classification: Likely benign for CASP12-related condition. Last evaluated: 2019-08-16. Review status: no assertion criteria provided. Collection method: clinical testing. Allele origin: germline.
Comment: This variant is classified as likely benign based on ACMG/AMP sequence variant interpretation guidelines (Richards et al. 2015 PMID: 25741868, with internal and published modifications).